The following is an entry in ClinVar:

ClinVar aggregate classification (germline): Uncertain significance (1 of 4 stars; one submission).

Submission:

Labcorp Genetics (formerly Invitae), Labcorp
Classification: Uncertain significance. Last evaluated: 2024-04-29. Review status: criteria provided, single submitter. Criteria: Invitae Variant Classification Sherloc (09022015). Collection method: clinical testing. Allele origin: germline.
Comment: This sequence change replaces leucine, which is neutral and non-polar, with valine, which is neutral and non-polar, at codon 379 of the KCNQ4 protein (p.Leu379Val). This variant is not present in population databases (gnomAD no frequency). This variant has not been reported in the literature in individuals affected with KCNQ4-related conditions. Advanced modeling of protein sequence and biophysical properties (such as structural, functional, and spatial information, amino acid conservation, physicochemical variation, residue mobility, and thermodynamic stability) performed at Invitae indicates that this missense variant is not expected to disrupt KCNQ4 protein function with a negative predictive value of 80%. In summary, the available evidence is currently insufficient to determine the role of this variant in disease. Therefore, it has been classified as a Variant of Uncertain Significance.

NM_004700.4(KCNQ4):c.1135C>G (p.Leu379Val)

Gene: KCNQ4 (potassium voltage-gated channel subfamily Q member 4; plus strand). Cytogenetic location: 1p34.2.
Variant type: single nucleotide variant.
Coding change: c.1135C>G on transcript NM_004700.4 (MANE Select); coding-DNA position 1135, C replaced by G.
Protein change: p.Leu379Val; replaces leucine 379 with valine.
Molecular consequence: missense variant. On other transcripts: intron variant (1).
Genome position (GRCh38, 1-based): chr1:40,824,101, C>G. VCF-style: chr1-40824101-C-G. GRCh37 (hg19) VCF-style: chr1-41289773-C-G.
Other names: c.1130+1699C>G (NM_172163.3); short protein forms L379V.
Identifiers: ClinVar variation 3651491 (VCV003651491.2).
Genomic context (GRCh38, chr1:40,824,101, plus strand): 5'-GGTGAGGGGGGTGGTGCCATGGCCCTGCCTGCCACTGATGGTGCCCTCTCCTGCAGAGAG[C>G]TGGCCCTCTTGTTTGAGCACGTGCAACGGGCCCGCAATGGGGGCCTACGGCCCCTGGAGG-3'
Protein context (NP_004691.2, residues 369-389): YDSILPSFRE[Leu379Val]ALLFEHVQRA